The following is an entry in ClinVar:

NM_001369.3(DNAH5):c.10289T>A (p.Leu3430Ter)

Gene: DNAH5 (dynein axonemal heavy chain 5; minus strand). Cytogenetic location: 5p15.2.
Variant type: single nucleotide variant.
Coding change: c.10289T>A on transcript NM_001369.3 (MANE Select); coding-DNA position 10289, T replaced by A.
Protein change: p.Leu3430Ter; replaces leucine 3430 with a stop codon.
Molecular consequence: nonsense.
Genome position (GRCh38, 1-based): chr5:13,758,976, A>T on the plus strand (T>A on the coding strand, the complement: DNAH5 is on the minus strand). VCF-style: chr5-13758976-A-T. GRCh37 (hg19) VCF-style: chr5-13759085-A-T.
Other names: short protein forms L3430*.
Identifiers: ClinVar variation 1725099 (VCV001725099.2), dbSNP rs2546631246, ClinGen allele CA359196001.

ClinVar aggregate classification (germline): Likely pathogenic (1 of 4 stars; one submission).

Conditions:
Primary ciliary dyskinesia 3. Identifiers: Orphanet 244, MedGen C1837618, MONDO:0012085, OMIM 608644.

Submission:

Myriad Genetics, Inc.
Classification: Likely pathogenic for Primary ciliary dyskinesia 3. Last evaluated: 2022-03-08. Review status: criteria provided, single submitter. Criteria: Myriad Women's Health Autosomal Recessive and X-Linked Classification Criteria (2021). Collection method: clinical testing. Allele origin: unknown.
Comment: NM_001369.2(DNAH5):c.10289T>A(L3430*) is expected to be pathogenic in the context of DNAH5-related primary ciliary dyskinesia. This variant is predicted to lead to an abnormal or absent protein product due to the creation of a premature termination codon in DNAH5, a gene where loss-of-function variants are known to be pathogenic. Please note: this variant was assessed in the context of healthy population screening.